The following is an entry in ClinVar:

NM_001005373.4(LRSAM1):c.1347+6C>T

Gene: LRSAM1 (leucine rich repeat and sterile alpha motif containing 1; plus strand). Cytogenetic location: 9q33.3.
Variant type: single nucleotide variant.
Coding change: c.1347+6C>T on transcript NM_001005373.4 (MANE Select); 6 bases into the intron after coding-DNA position 1347, C replaced by T.
Molecular consequence: intron variant.
Genome position (GRCh38, 1-based): chr9:127,487,769, C>T. VCF-style: chr9-127487769-C-T. GRCh37 (hg19) VCF-style: chr9-130250048-C-T.
Other names: c.1347+6C>T (NM_138361.5, NM_001384142.1, NM_001384143.1 and 2 more transcripts); c.558+6C>T (NM_001384144.1).
Identifiers: ClinVar variation 643852 (VCV000643852.12), dbSNP rs1588128875, ClinGen allele CA915947152.

ClinVar aggregate classification (germline): Uncertain significance. Review status: criteria provided, multiple submitters, no conflicts (2 of 4 stars). 2 submissions from 2 submitters: Uncertain significance (2). Last evaluated 2018-08-09.

Conditions:
Charcot-Marie-Tooth disease axonal type 2P. Also called: CHARCOT-MARIE-TOOTH NEUROPATHY, TYPE 2P; Charcot-Marie-Tooth Neuropathy Type 2G; CHARCOT-MARIE-TOOTH DISEASE, AXONAL, TYPE 2G; CMT 2G. Identifiers: Orphanet 300319, Orphanet 99941, MedGen C3280797, MONDO:0013753, OMIM 614436.

Submissions (2):

Labcorp Genetics (formerly Invitae), Labcorp
Classification: Uncertain significance for Charcot-Marie-Tooth disease axonal type 2P. Last evaluated: 2018-08-09. Review status: criteria provided, single submitter. Criteria: Invitae Variant Classification Sherloc (09022015). Collection method: clinical testing. Allele origin: germline.
Comment: This sequence change falls in intron 17 of the LRSAM1 gene. It does not directly change the encoded amino acid sequence of the LRSAM1 protein, but it affects a nucleotide within the consensus splice site of the intron. This variant is not present in population databases (ExAC no frequency). This variant has not been reported in the literature in individuals with LRSAM1-related disease. Nucleotide substitutions within the consensus splice site are a relatively common cause of aberrant splicing (PMID: 17576681, 9536098). Algorithms developed to predict the effect of sequence changes on RNA splicing suggest that this variant is not likely to affect RNA splicing, but this prediction has not been confirmed by published transcriptional studies. In summary, the available evidence is currently insufficient to determine the role of this variant in disease. Therefore, it has been classified as a Variant of Uncertain Significance.

Illumina Laboratory Services, Illumina
Classification: Uncertain significance for Charcot-Marie-Tooth disease axonal type 2P. Last evaluated: 2018-01-13. Review status: criteria provided, single submitter. Criteria: ICSL Variant Classification Criteria 13 December 2019. Collection method: clinical testing. Allele origin: germline.

Literature cited by the submitters: PubMed 17576681 (cited by Labcorp Genetics (formerly Invitae), Labcorp); PubMed 9536098 (cited by Labcorp Genetics (formerly Invitae), Labcorp).